The following is an entry in ClinVar:

ClinVar aggregate classification (germline): Uncertain significance (1 of 4 stars; one submission).

Submission:

GeneDx
Classification: Uncertain significance. Last evaluated: 2022-04-15. Review status: criteria provided, single submitter. Criteria: GeneDx Variant Classification Process June 2021. Collection method: clinical testing. Allele origin: germline. Affected: yes.
Comment: Not observed at significant frequency in large population cohorts (gnomAD); In silico analysis supports that this missense variant does not alter protein structure/function; Has not been previously published as pathogenic or benign to our knowledge

NM_001134407.3(GRIN2A):c.4017A>C (p.Lys1339Asn)

Gene: GRIN2A (glutamate ionotropic receptor NMDA type subunit 2A; minus strand). Cytogenetic location: 16p13.2.
Variant type: single nucleotide variant.
Coding change: c.4017A>C on transcript NM_001134407.3 (MANE Select); coding-DNA position 4017, A replaced by C.
Protein change: p.Lys1339Asn; replaces lysine 1339 with asparagine.
Molecular consequence: missense variant. On other transcripts: intron variant (1).
Genome position (GRCh38, 1-based): chr16:9,763,527, T>G on the plus strand (A>C on the coding strand, the complement: GRIN2A is on the minus strand). VCF-style: chr16-9763527-T-G. GRCh37 (hg19) VCF-style: chr16-9857384-T-G.
Other names: c.4017A>C, p.Lys1339Asn (NM_000833.5); c.3773-99A>C (NM_001134408.2); short protein forms K1339N.
Identifiers: ClinVar variation 1710576 (VCV001710576.2), dbSNP rs751221611, ClinGen allele CA394706317.